The following is an entry in ClinVar:

NM_001018113.3(FANCB):c.951G>T (p.Gln317His)

Gene: FANCB (FA complementation group B; minus strand). Cytogenetic location: Xp22.2.
Variant type: single nucleotide variant.
Coding change: c.951G>T on transcript NM_001018113.3 (MANE Select); coding-DNA position 951, G replaced by T.
Protein change: p.Gln317His; replaces glutamine 317 with histidine.
Molecular consequence: missense variant.
Genome position (GRCh38, 1-based): chrX:14,864,560, C>A on the plus strand (G>T on the coding strand, the complement: FANCB is on the minus strand). VCF-style: chrX-14864560-C-A. GRCh37 (hg19) VCF-style: chrX-14882682-C-A.
Other names: c.951G>T, p.Gln317His (NM_001324162.2, NM_001410764.1, NM_152633.4); short protein forms Q317H.
Identifiers: ClinVar variation 2694849 (VCV002694849.3), dbSNP rs2519009021, ClinGen allele CA412443340.
Genomic context (GRCh38, chrX:14,864,560, plus strand): 5'-TACAAATGTTTAAAAGGTCTGAGACCACCAACTGAATTATTATTACAATAAGTGTTGTAC[C>A]TGAAAGCTCTCTTTCCATACAGCACAAGCATTATTGGATATAAAGGATACAACGAAAAAG-3'
Protein context (NP_001018123.1, residues 307-327): NACAVWKESF[Gln317His]VAAKWEKLSL

ClinVar aggregate classification (germline): Uncertain significance (1 of 4 stars; one submission).

Conditions:
Fanconi anemia (FA). Also called: Fanconi's anemia. Identifiers: Orphanet 84, MedGen C0015625, MeSH D005199, MONDO:0019391.

Submission:

Labcorp Genetics (formerly Invitae), Labcorp
Classification: Uncertain significance for Fanconi anemia. Last evaluated: 2024-01-14. Review status: criteria provided, single submitter. Criteria: Invitae Variant Classification Sherloc (09022015). Collection method: clinical testing. Allele origin: germline.
Comment: This sequence change replaces glutamine, which is neutral and polar, with histidine, which is basic and polar, at codon 317 of the FANCB protein (p.Gln317His). This variant also falls at the last nucleotide of exon 3, which is part of the consensus splice site for this exon. This variant is not present in population databases (gnomAD no frequency). This variant has not been reported in the literature in individuals affected with FANCB-related conditions. An algorithm developed to predict the effect of missense changes on protein structure and function (PolyPhen-2) suggests that this variant is likely to be disruptive. Variants that disrupt the consensus splice site are a relatively common cause of aberrant splicing (PMID: 17576681, 9536098). Algorithms developed to predict the effect of sequence changes on RNA splicing suggest that this variant may disrupt the consensus splice site. In summary, the available evidence is currently insufficient to determine the role of this variant in disease. Therefore, it has been classified as a Variant of Uncertain Significance.

Literature cited by the submitters: PubMed 17576681; PubMed 9536098.